The following is an entry in ClinVar:

NM_000038.6(APC):c.-18-5649C>A

Gene: APC (APC regulator of WNT signaling pathway; plus strand). Cytogenetic location: 5q22.2.
Variant type: single nucleotide variant.
Coding change: c.-18-5649C>A on transcript NM_000038.6 (MANE Select); 5649 bases into the intron before 18 bases upstream of the start codon, C replaced by A.
Molecular consequence: intron variant.
Genome position (GRCh38, 1-based): chr5:112,749,224, C>A. VCF-style: chr5-112749224-C-A. GRCh37 (hg19) VCF-style: chr5-112084921-C-A.
Other names: c.-18-5649C>A (NM_001354895.2, NM_001127510.3, NM_001354896.2 and 2 more transcripts); c.166-17102C>A (NM_001354897.2, NM_001354902.2, NM_001127511.3); c.60+10764C>A (NM_001354898.2, NM_001354904.2); c.-1053-5649C>A (NM_001354906.2); c.-43+11299C>A (NM_001354900.2, NM_001354901.2, NM_001354905.2).
Identifiers: ClinVar variation 82354 (VCV000082354.2), dbSNP rs78520528, ClinGen allele CA006161.

ClinVar aggregate classification (germline): other (0 of 4 stars; one submission).

Conditions:
Familial colorectal cancer. Identifiers: MedGen CN280943, MONDO:0023113. Disease mechanism: loss of function.

Submission:

Systems Biology Platform Zhejiang California International NanoSystems Institute
Classification: other for Familial colorectal cancer. Review status: no assertion criteria provided. Collection method: not provided. Allele origin: unknown.
ClinVar note: Converted during submission from cancer to other.